The following is an entry in ClinVar:

NM_016938.5(EFEMP2):c.1000C>T (p.Pro334Ser)

Gene: EFEMP2 (EGF-like fibulin extracellular matrix protein 2; minus strand). Cytogenetic location: 11q13.1.
Variant type: single nucleotide variant.
Coding change: c.1000C>T on transcript NM_016938.5 (MANE Select); coding-DNA position 1000, C replaced by T.
Protein change: p.Pro334Ser; replaces proline 334 with serine.
Molecular consequence: missense variant. On other transcripts: non-coding transcript variant (1).
Genome position (GRCh38, 1-based): chr11:65,868,031, G>A on the plus strand (C>T on the coding strand, the complement: EFEMP2 is on the minus strand). VCF-style: chr11-65868031-G-A. GRCh37 (hg19) VCF-style: chr11-65635502-G-A.
Other names: short protein forms P334S.
Identifiers: ClinVar variation 4798310 (VCV004798310.1).

ClinVar aggregate classification (germline): Uncertain significance (1 of 4 stars; one submission).

Conditions:
Cutis laxa, autosomal recessive, type 1B (ARCL1B). Also called: CUTIS LAXA, AUTOSOMAL RECESSIVE, TYPE IB; EFEMP2-Related Cutis Laxa. Identifiers: Orphanet 90349, MedGen C3280798, MONDO:0013754, OMIM 614437. Disease mechanism: loss of function.

Submission:

Labcorp Genetics (formerly Invitae), Labcorp
Classification: Uncertain significance for Cutis laxa, autosomal recessive, type 1B. Last evaluated: 2025-08-26. Review status: criteria provided, single submitter. Criteria: Invitae Variant Classification Sherloc (09022015). Collection method: clinical testing. Allele origin: germline.
Comment: This sequence change replaces proline, which is neutral and non-polar, with serine, which is neutral and polar, at codon 334 of the EFEMP2 protein (p.Pro334Ser). This variant is not present in population databases (gnomAD no frequency). This variant has not been reported in the literature in individuals affected with EFEMP2-related conditions. Invitae Evidence Modeling of protein sequence and biophysical properties (such as structural, functional, and spatial information, amino acid conservation, physicochemical variation, residue mobility, and thermodynamic stability) has been performed for this missense variant. However, the output from this modeling did not meet the statistical confidence thresholds required to predict the impact of this variant on EFEMP2 protein function. In summary, the available evidence is currently insufficient to determine the role of this variant in disease. Therefore, it has been classified as a Variant of Uncertain Significance.